The following is an entry in ClinVar:

ClinVar aggregate classification (germline): Uncertain significance (1 of 4 stars; one submission).

Conditions:
Long QT syndrome (LQTS). Identifiers: MedGen C0023976, MeSH D008133, MONDO:0002442. Disease mechanism: loss of function. Inheritance: Various modes of inheritance.

Allele frequency attached by ClinVar (database versions not stated): gnomAD 0.00001; gnomAD exomes 0.00001; TOPMed 0.00001; ExAC 0.00002.
gnomAD v4.1: 6 of 1,614,078 alleles (0.00037%); highest among the groups gnomAD compares: South Asian, 0.0011%; no homozygotes.

Submission:

Labcorp Genetics (formerly Invitae), Labcorp
Classification: Uncertain significance for Long QT syndrome. Last evaluated: 2025-05-19. Review status: criteria provided, single submitter. Criteria: Invitae Variant Classification Sherloc (09022015). Collection method: clinical testing. Allele origin: germline.
Comment: This sequence change replaces arginine, which is basic and polar, with cysteine, which is neutral and slightly polar, at codon 472 of the KCNH2 protein (p.Arg472Cys). This variant is present in population databases (rs776485360, gnomAD 0.003%). This variant has not been reported in the literature in individuals affected with KCNH2-related conditions. ClinVar contains an entry for this variant (Variation ID: 2154967). An algorithm developed to predict the effect of missense changes on protein structure and function (PolyPhen-2) suggests that this variant is likely to be disruptive. In summary, the available evidence is currently insufficient to determine the role of this variant in disease. Therefore, it has been classified as a Variant of Uncertain Significance.

NM_000238.4(KCNH2):c.1414C>T (p.Arg472Cys)

Gene: KCNH2 (potassium voltage-gated channel subfamily H member 2; minus strand). Cytogenetic location: 7q36.1.
Variant type: single nucleotide variant.
Coding change: c.1414C>T on transcript NM_000238.4 (MANE Select); coding-DNA position 1414, C replaced by T.
Protein change: p.Arg472Cys; replaces arginine 472 with cysteine.
Molecular consequence: missense variant.
Genome position (GRCh38, 1-based): chr7:150,952,568, G>A on the plus strand (C>T on the coding strand, the complement: KCNH2 is on the minus strand). VCF-style: chr7-150952568-G-A. GRCh37 (hg19) VCF-style: chr7-150649656-G-A.
Other names: c.394C>T, p.Arg132Cys (NM_001204798.2, NM_172057.3); c.1126C>T, p.Arg376Cys (NM_001406753.1, NM_001406756.1); c.1237C>T, p.Arg413Cys (NM_001406755.1); c.1114C>T, p.Arg372Cys (NM_001406757.1); c.1414C>T, p.Arg472Cys (NM_172056.3); short protein forms R376C, R372C, R413C, R132C, R472C.
Identifiers: ClinVar variation 2154967 (VCV002154967.4), dbSNP rs776485360, ClinGen allele CA027907.